The following is an entry in ClinVar:

NM_000428.3(LTBP2):c.283C>T (p.Pro95Ser)

Gene: LTBP2 (latent transforming growth factor beta binding protein 2; minus strand). Cytogenetic location: 14q24.3.
Variant type: single nucleotide variant.
Coding change: c.283C>T on transcript NM_000428.3 (MANE Select); coding-DNA position 283, C replaced by T.
Protein change: p.Pro95Ser; replaces proline 95 with serine.
Molecular consequence: missense variant.
Genome position (GRCh38, 1-based): chr14:74,611,662, G>A on the plus strand (C>T on the coding strand, the complement: LTBP2 is on the minus strand). VCF-style: chr14-74611662-G-A. GRCh37 (hg19) VCF-style: chr14-75078365-G-A.
Other names: short protein forms P95S.
Identifiers: ClinVar variation 1473726 (VCV001473726.4), dbSNP rs1310965958, ClinGen allele CA390388144.
Genomic context (GRCh38, chr14:74,611,662, plus strand): 5'-CACGCCGCGACTGCTGCGCGCGGGACGGCCTCCTGGCCTCCGCCTCGGTGGGCCTCCTGG[G>A]GCTCCCCCAGCCCGGCTGGGCCCGCTCCACGGGCTGCAAGCCCGCGACAGGCGCGTCCTG-3'
Protein context (NP_000419.1, residues 85-105): VERAQPGWGS[Pro95Ser]RRPTEAEARR

ClinVar aggregate classification (germline): Uncertain significance (1 of 4 stars; one submission).

Allele frequency attached by ClinVar (database versions not stated): TOPMed below 0.00001; gnomAD 0.00001; gnomAD exomes 0.00001 and 0.00002.
gnomAD v4.1: 27 of 1,558,876 alleles (0.0017%); highest among the groups gnomAD compares: Non-Finnish European, 0.0022%; no homozygotes.

Submission:

Labcorp Genetics (formerly Invitae), Labcorp
Classification: Uncertain significance. Last evaluated: 2021-10-09. Review status: criteria provided, single submitter. Criteria: Invitae Variant Classification Sherloc (09022015). Collection method: clinical testing. Allele origin: germline.
Comment: This variant has not been reported in the literature in individuals affected with LTBP2-related conditions. The frequency data for this variant in the population databases is considered unreliable, as metrics indicate insufficient coverage at this position in the ExAC database. This sequence change replaces proline with serine at codon 95 of the LTBP2 protein (p.Pro95Ser). The proline residue is highly conserved and there is a moderate physicochemical difference between proline and serine. Algorithms developed to predict the effect of missense changes on protein structure and function output the following: SIFT: "Deleterious"; PolyPhen-2: "Benign"; Align-GVGD: "Class C65". The serine amino acid residue is found in multiple mammalian species, which suggests that this missense change does not adversely affect protein function. In summary, the available evidence is currently insufficient to determine the role of this variant in disease. Therefore, it has been classified as a Variant of Uncertain Significance.